The following is an entry in ClinVar:

ClinVar aggregate classification (germline): Conflicting classifications of pathogenicity. Review status: criteria provided, conflicting classifications (1 of 4 stars). 3 submissions from 3 submitters: Uncertain significance (2); Likely benign (1). Last evaluated 2024-10-23.

Allele frequency attached by ClinVar (database versions not stated): gnomAD exomes 0.00001 and 0.00003; TOPMed 0.00001; ExAC 0.00002; gnomAD 0.00002.
gnomAD v4.1: 24 of 1,606,354 alleles (0.0015%); highest among the groups gnomAD compares: Non-Finnish European, 0.0018%; no homozygotes.

Submissions (3):

Labcorp Genetics (formerly Invitae), Labcorp
Classification: Likely benign. Last evaluated: 2024-10-23. Review status: criteria provided, single submitter. Criteria: Invitae Variant Classification Sherloc (09022015). Collection method: clinical testing. Allele origin: germline.

GeneDx
Classification: Uncertain significance. Last evaluated: 2023-05-07. Review status: criteria provided, single submitter. Criteria: GeneDx Variant Classification Process June 2021. Collection method: clinical testing. Allele origin: germline. Affected: yes.
Comment: In silico analysis supports that this missense variant has a deleterious effect on protein structure/function; Identified in the heterozygous state in a patient with spastic ataxia in published literature, but additional clinical information and familial segregation data were not included (Coutelier et al., 2018); This variant is associated with the following publications: (PMID: 29482223)

Athena Diagnostics
Classification: Uncertain significance. Last evaluated: 2020-08-28. Review status: criteria provided, single submitter. Criteria: Athena Diagnostics criteria. Collection method: clinical testing. Allele origin: unknown.

Literature cited by the submitters: PubMed 29482223 (cited by Athena Diagnostics).

NM_006946.4(SPTBN2):c.5137C>T (p.Arg1713Cys)

Gene: SPTBN2 (spectrin beta, non-erythrocytic 2; minus strand). Cytogenetic location: 11q13.2.
Variant type: single nucleotide variant.
Coding change: c.5137C>T on transcript NM_006946.4 (MANE Select); coding-DNA position 5137, C replaced by T.
Protein change: p.Arg1713Cys; replaces arginine 1713 with cysteine.
Molecular consequence: missense variant.
Genome position (GRCh38, 1-based): chr11:66,692,589, G>A on the plus strand (C>T on the coding strand, the complement: SPTBN2 is on the minus strand). VCF-style: chr11-66692589-G-A. GRCh37 (hg19) VCF-style: chr11-66460060-G-A.
Other names: short protein forms R1713C.
Identifiers: ClinVar variation 994470 (VCV000994470.7), dbSNP rs754809056, ClinGen allele CA6128355.